The following is an entry in ClinVar:

NM_000127.3(EXT1):c.878_901del (p.Val293_His300del)

Gene: EXT1 (exostosin glycosyltransferase 1; minus strand). Cytogenetic location: 8q24.11.
Variant type: Deletion.
Coding change: c.878_901del on transcript NM_000127.3 (MANE Select); coding-DNA positions 878 to 901, 24 bases deleted (TGCTCCTCACCACCTGCAAGCATG).
Protein change: p.Val293_His300del.
Molecular consequence: inframe deletion. On other transcripts: inframe indel (1).
Genome position (GRCh38, 1-based): chr8:118,110,146-118,110,169, CATGCTTGCAGGTGGTGAGGAGCA deleted on the plus strand (TGCTCCTCACCACCTGCAAGCATG on the coding strand, the reverse complement: EXT1 is on the minus strand); deleting any 24 consecutive bases within chr8:118,110,146-118,110,171 gives the same sequence; the c. name uses the placement nearest the transcript's 3' end. VCF-style (leftmost placement, unchanged base first): chr8-118110145-CCATGCTTGCAGGTGGTGAGGAGCA-C. GRCh37 (hg19) VCF-style: chr8-119122384-CCATGCTTGCAGGTGGTGAGGAGCA-C.
Other names: c.878_901del24 (NM_000127.2).
Identifiers: ClinVar variation 3345881 (VCV003345881.1).

ClinVar aggregate classification (germline): Uncertain significance (0 of 4 stars; one submission).

Conditions:
EXT1-related disorder. Also called: EXT1-related condition.

Submission:

PreventionGenetics, part of Exact Sciences
Classification: Uncertain significance for EXT1-related condition. Last evaluated: 2024-08-07. Review status: no assertion criteria provided. Collection method: clinical testing. Allele origin: germline.
Comment: The EXT1 c.878_901del24 variant is predicted to result in an in-frame deletion (p.Val293_His300del). This variant has been reported in a family with clinical features of exostoses, segregating with disease in two individuals (Internal Data, PreventionGenetics). To our knowledge, this variant has not been reported in the literature or in a large population database, indicating this variant is rare. Although we suspect that this variant may be pathogenic, at this time, the clinical significance of this variant is uncertain due to the absence of conclusive functional and genetic evidence.